The following is an entry in ClinVar:

ClinVar aggregate classification (germline): Uncertain significance. Review status: criteria provided, multiple submitters, no conflicts (2 of 4 stars). 2 submissions from 2 submitters: Uncertain significance (2). Last evaluated 2025-03-18.

Allele frequency attached by ClinVar (database versions not stated): ExAC 0.00001; gnomAD 0.00001; gnomAD exomes 0.00001; TOPMed 0.00001.
gnomAD v4.1: 10 of 1,613,762 alleles (0.00062%); highest among the groups gnomAD compares: East Asian, 0.02%; no homozygotes.

Submissions (2):

Ambry Genetics
Classification: Uncertain significance. Last evaluated: 2025-03-18. Review status: criteria provided, single submitter. Criteria: Ambry Variant Classification Scheme 2023. Collection method: clinical testing. Allele origin: germline.
Comment: The p.P643L variant (also known as c.1928C>T), located in coding exon 10 of the ATRIP gene, results from a C to T substitution at nucleotide position 1928. The proline at codon 643 is replaced by leucine, an amino acid with similar properties. This amino acid position is conserved. In addition, the in silico prediction for this alteration is inconclusive. Based on the available evidence, the clinical significance of this variant remains unclear.

Labcorp Genetics (formerly Invitae), Labcorp
Classification: Uncertain significance. Last evaluated: 2022-02-22. Review status: criteria provided, single submitter. Criteria: Invitae Variant Classification Sherloc (09022015). Collection method: clinical testing. Allele origin: germline.
Comment: This sequence change replaces proline, which is neutral and non-polar, with leucine, which is neutral and non-polar, at codon 643 of the ATRIP protein (p.Pro643Leu). This variant is present in population databases (rs778997930, gnomAD 0.03%). This variant has not been reported in the literature in individuals affected with ATRIP-related conditions. Algorithms developed to predict the effect of missense changes on protein structure and function (SIFT, PolyPhen-2, Align-GVGD) all suggest that this variant is likely to be disruptive. In summary, the available evidence is currently insufficient to determine the role of this variant in disease. Therefore, it has been classified as a Variant of Uncertain Significance.

NM_130384.3(ATRIP):c.1928C>T (p.Pro643Leu)

Genes: ATRIP (ATR interacting protein; plus strand), ATRIP-TREX1 (ATRIP-TREX1 readthrough; plus strand). Cytogenetic location: 3p21.31.
Variant type: single nucleotide variant.
Coding change: c.1928C>T on transcript NM_130384.3 (MANE Select); coding-DNA position 1928, C replaced by T.
Protein change: p.Pro643Leu; replaces proline 643 with leucine.
Molecular consequence: missense variant. On other transcripts: non-coding transcript variant (1).
Genome position (GRCh38, 1-based): chr3:48,464,086, C>T. VCF-style: chr3-48464086-C-T. GRCh37 (hg19) VCF-style: chr3-48505485-C-T.
Other names: c.1547C>T, p.Pro516Leu (NM_001271022.2); c.1649C>T, p.Pro550Leu (NM_001271023.2); c.1928C>T, p.Pro643Leu (NM_032166.4); c.1928C>T (NM_130384.1); short protein forms P643L, P550L, P516L.
Identifiers: ClinVar variation 1947177 (VCV001947177.7), dbSNP rs778997930, ClinGen allele CA2376323.